The following is an entry in ClinVar:

NM_014991.6(WDFY3):c.7244C>T (p.Pro2415Leu)

Gene: WDFY3 (WD repeat and FYVE domain containing 3; minus strand). Cytogenetic location: 4q21.23.
Variant type: single nucleotide variant.
Coding change: c.7244C>T on transcript NM_014991.6 (MANE Select); coding-DNA position 7244, C replaced by T.
Protein change: p.Pro2415Leu; replaces proline 2415 with leucine.
Molecular consequence: missense variant.
Genome position (GRCh38, 1-based): chr4:84,726,889, G>A on the plus strand (C>T on the coding strand, the complement: WDFY3 is on the minus strand). VCF-style: chr4-84726889-G-A. GRCh37 (hg19) VCF-style: chr4-85648042-G-A.
Other names: short protein forms P2415L.
Identifiers: ClinVar variation 2662731 (VCV002662731.1), dbSNP rs2531723572, ClinGen allele CA357547774.

ClinVar aggregate classification (germline): Uncertain significance (1 of 4 stars; one submission).

Submission:

GeneDx
Classification: Uncertain significance. Last evaluated: 2023-04-28. Review status: criteria provided, single submitter. Criteria: GeneDx Variant Classification Process June 2021. Collection method: clinical testing. Allele origin: germline. Affected: yes.
Comment: Not observed at significant frequency in large population cohorts (gnomAD); In silico analysis supports that this missense variant does not alter protein structure/function; Has not been previously published as pathogenic or benign to our knowledge